The following is an entry in ClinVar:

ClinVar aggregate classification (germline): Likely pathogenic (1 of 4 stars; one submission).

Conditions:
Malignant hyperthermia, susceptibility to, 1 (MHS1). Also called: Anesthesia related hyperthermia; Malignant hyperpyrexia; Fulminating hyperpyrexia; Pharmacogenic myopathy; RYR1-Related Malignant Hyperthermia Susceptibility; Malignant hyperthermia suceptibility 1. Identifiers: Orphanet 423, MedGen C2930980, MONDO:0007783, OMIM 145600.

gnomAD v4.1: 1 of 1,597,780 alleles (0.000063%); highest among the groups gnomAD compares: Non-Finnish European, 0.000085%; no homozygotes.

Submission:

Variantyx, Inc.
Classification: Likely pathogenic for Malignant hyperthermia, susceptibility to, 1. Last evaluated: 2025-06-12. Review status: criteria provided, single submitter. Criteria: Variantyx Assertion Criteria 2022. Collection method: clinical testing. Allele origin: germline. Inheritance: Autosomal dominant inheritance. Affected: yes.
Comment: This is a nonsynonymous variant in the RYR1 gene (OMIM: 180901). Pathogenic variants in this gene have been associated with autosomal dominant susceptibility to malignant hyperthermia 1. This variant has been observed to segregate with disease in at least 6 individuals from one family (PMID: 26119398) (PP1). Computational algorithms produce conflicting evidence regarding the predicted functional impact of this variant (REVEL score: 0.711), however, the variant lies within a known hotspot for pathogenic variants or a well-established critical functional domain of the RYR1 protein (PMID: 33767344) (PM1). This variant has a 0.0015% maximum allele frequency in non-founder control populations. Based on the current evidence, this variant is classified as likely pathogenic for autosomal dominant susceptibility to malignant hyperthermia 1.

Literature cited by the submitters: PubMed 26119398; PubMed 33767344.

NM_000540.3(RYR1):c.7034G>A (p.Ser2345Asn)

Gene: RYR1 (ryanodine receptor 1; plus strand). Cytogenetic location: 19q13.2.
Variant type: single nucleotide variant.
Coding change: c.7034G>A on transcript NM_000540.3 (MANE Select); coding-DNA position 7034, G replaced by A.
Protein change: p.Ser2345Asn; replaces serine 2345 with asparagine.
Molecular consequence: missense variant.
Genome position (GRCh38, 1-based): chr19:38,499,641, G>A. VCF-style: chr19-38499641-G-A. GRCh37 (hg19) VCF-style: chr19-38990281-G-A.
Other names: c.7034G>A, p.Ser2345Asn (NM_001042723.2); short protein forms S2345N.
Identifiers: ClinVar variation 4850775 (VCV004850775.1).